The following is an entry in ClinVar:

ClinVar aggregate classification (germline): Uncertain significance (1 of 4 stars; one submission).

gnomAD v4.1: 3 of 1,614,034 alleles (0.00019%); highest among the groups gnomAD compares: African/African-American, 0.0013%; no homozygotes.

Submission:

Labcorp Genetics (formerly Invitae), Labcorp
Classification: Uncertain significance. Last evaluated: 2024-06-24. Review status: criteria provided, single submitter. Criteria: Invitae Variant Classification Sherloc (09022015). Collection method: clinical testing. Allele origin: germline.
Comment: This sequence change replaces asparagine, which is neutral and polar, with aspartic acid, which is acidic and polar, at codon 144 of the RBFOX2 protein (p.Asn144Asp). This variant is not present in population databases (gnomAD no frequency). This variant has not been reported in the literature in individuals affected with RBFOX2-related conditions. An algorithm developed to predict the effect of missense changes on protein structure and function (PolyPhen-2) suggests that this variant is likely to be tolerated. In summary, the available evidence is currently insufficient to determine the role of this variant in disease. Therefore, it has been classified as a Variant of Uncertain Significance.

NM_001349999.2(RBFOX2):c.430A>G (p.Asn144Asp)

Gene: RBFOX2 (RNA binding fox-1 homolog 2; minus strand). Cytogenetic location: 22q12.3.
Variant type: single nucleotide variant.
Coding change: c.430A>G on transcript NM_001349999.2 (MANE Select); coding-DNA position 430, A replaced by G.
Protein change: p.Asn144Asp; replaces asparagine 144 with aspartic acid.
Molecular consequence: missense variant.
Genome position (GRCh38, 1-based): chr22:35,809,812, T>C on the plus strand (A>G on the coding strand, the complement: RBFOX2 is on the minus strand). VCF-style: chr22-35809812-T-C. GRCh37 (hg19) VCF-style: chr22-36205859-T-C.
Other names: c.220A>G, p.Asn74Asp (NM_001031695.4, NM_001082576.3, NM_001082577.3 and 4 more transcripts); c.430A>G, p.Asn144Asp (NM_001082578.4, NM_001082579.3, NM_001394108.1 and 7 more transcripts); c.286A>G, p.Asn96Asp (NM_001349982.2, NM_001349989.2, NM_001349990.2 and 5 more transcripts); short protein forms N144D, N74D, N96D.
Identifiers: ClinVar variation 3623117 (VCV003623117.2).